The following is an entry in ClinVar:

ClinVar aggregate classification (germline): Uncertain significance. Review status: criteria provided, multiple submitters, no conflicts (2 of 4 stars). 4 submissions from 4 submitters: Uncertain significance (4). Last evaluated 2026-05-13.

Conditions:
PI4KA-related disorder. Also called: PI4KA-related disorders; PI4KA-related condition. Identifiers: MedGen CN378147, MONDO:1040012.

Allele frequency attached by ClinVar (database versions not stated): ExAC 0.00008; ESP Exome Variant Server 0.00008; gnomAD 0.00011 and 0.00014; 1000 Genomes Project 30x 0.00016; 1000 Genomes Project 0.00020; TOPMed 0.00023.
gnomAD v4.1: 146 of 1,613,884 alleles (0.009%); highest among the groups gnomAD compares: Middle Eastern, 0.067%; 1 homozygote.

Submissions (4):

GeneDx
Classification: Uncertain significance. Last evaluated: 2026-05-13. Review status: criteria provided, single submitter. Criteria: GeneDx Variant Classification Process June 2021. Collection method: clinical testing. Allele origin: germline.
Comment: In silico analysis supports that this missense variant has a deleterious effect on protein structure/function; Has not been previously published as pathogenic or benign to our knowledge

Blueprint Genetics
Classification: Uncertain significance. Last evaluated: 2023-09-21. Review status: criteria provided, single submitter. Criteria: ACMG Guidelines, 2015. Collection method: clinical testing. Allele origin: germline.

PreventionGenetics, part of Exact Sciences
Classification: Uncertain significance for PI4KA-related condition. Last evaluated: 2023-06-02. Review status: criteria provided, single submitter. Criteria: ACMG Guidelines, 2015. Collection method: clinical testing. Allele origin: germline.
Comment: The PI4KA c.5137G>C variant is predicted to result in the amino acid substitution p.Asp1713His. To our knowledge, this variant has not been reported in the literature. This variant is reported in 0.012% of alleles in individuals of European (Non-Finnish) descent in gnomAD, which is more common than expected for a disease-causing variant. Although we suspect that this variant may be benign, at this time, the clinical significance of this variant is uncertain due to the absence of conclusive functional and genetic evidence.

Genomic Diagnostic Laboratory, Division of Genomic Diagnostics, Children's Hospital of Philadelphia
Classification: Uncertain significance. Last evaluated: 2015-07-01. Review status: criteria provided, single submitter. Criteria: DGD Variant Analysis Guidelines. Collection method: clinical testing. Allele origin: unknown.

NM_058004.4(PI4KA):c.5137G>C (p.Asp1713His)

Gene: PI4KA (phosphatidylinositol 4-kinase alpha; minus strand). Cytogenetic location: 22q11.21.
Variant type: single nucleotide variant.
Coding change: c.5137G>C on transcript NM_058004.4 (MANE Select); coding-DNA position 5137, G replaced by C.
Protein change: p.Asp1713His; replaces aspartic acid 1713 with histidine.
Molecular consequence: missense variant.
Genome position (GRCh38, 1-based): chr22:20,718,802, C>G on the plus strand (G>C on the coding strand, the complement: PI4KA is on the minus strand). VCF-style: chr22-20718802-C-G. GRCh37 (hg19) VCF-style: chr22-21073090-C-G.
Other names: c.5044G>C, p.Asp1682His (NM_001362862.2); c.5071G>C, p.Asp1691His (NM_001362863.2); short protein forms D1713H, D1691H, D1682H.
Identifiers: ClinVar variation 218827 (VCV000218827.5), dbSNP rs142131375, ClinGen allele CA249267.
Genomic context (GRCh38, chr22:20,718,802, plus strand): 5'-GCTGGTAAAAGTCCTTCGCTGGGCCGGACAAGGAGCCTGTGATCTCCTCTACCAACTGAT[C>G]CAGGAGGTCGCCGATGTCAGCTGCCAAGGAAGCAAAGAGGCTTAAGTCTCTGTGGCTGTG-3'
Protein context (NP_477352.3, residues 1703-1723): QKDPDIGDLL[Asp1713His]QLVEEITGSL